The following is an entry in ClinVar:

ClinVar aggregate classification (germline): Likely pathogenic (1 of 4 stars; one submission).

Conditions:
Autosomal dominant nonsyndromic hearing loss 15 (DFNA15). Also called: Autosomal dominant nonsyndromic hearing loss 52; DEAFNESS, AUTOSOMAL DOMINANT 52. Identifiers: Orphanet 90635, MedGen C1865366, MONDO:0011226, OMIM 602459.

Submission:

3billion
Classification: Likely pathogenic for Autosomal dominant nonsyndromic hearing loss 15. Last evaluated: 2022-09-01. Review status: criteria provided, single submitter. Criteria: ACMG Guidelines, 2015. Collection method: clinical testing. Allele origin: germline. Affected: yes. Observed: 1 heterozygote.
Comment: The variant is not observed in the gnomAD v2.1.1 dataset. Frameshift variant is predicted to result in a loss or disruption of normal protein function through protein truncation. The predicted truncated protein may be shortened by more than 10%. Multiple pathogenic variants are reported downstream of the variant. Therefore, this variant is classified as Likely pathogenic according to the recommendation of ACMG/AMP guideline.

NM_002700.3(POU4F3):c.479del (p.Gly160fs)

Genes: RBM27-POU4F3 (RBM27-POU4F3 readthrough; plus strand), POU4F3 (POU class 4 homeobox 3; plus strand). Cytogenetic location: 5q32.
Variant type: Deletion.
Coding change: c.479del on transcript NM_002700.3 (MANE Select); coding-DNA position 479, one base deleted (G; older notation c.479delG).
Protein change: p.Gly160fs; shifts the reading frame from glycine 160.
Molecular consequence: frameshift variant.
Genome position (GRCh38, 1-based): chr5:146,339,906, G deleted; the last of 3 consecutive G bases (chr5:146,339,904-146,339,906); deleting any one gives the same sequence. VCF-style (leftmost placement, unchanged base first): chr5-146339903-TG-T. GRCh37 (hg19) VCF-style: chr5-145719466-TG-T.
Other names: short protein forms G160fs.
Identifiers: ClinVar variation 1705548 (VCV001705548.1), dbSNP rs2479692745, ClinGen allele CA2580073020.